The following is an entry in ClinVar:

ClinVar aggregate classification (germline): Likely benign (1 of 4 stars; one submission).

gnomAD v4.1: 9 of 1,614,046 alleles (0.00056%); highest among the groups gnomAD compares: Middle Eastern, 0.016%; no homozygotes.

Submission:

Mayo Clinic Laboratories, Mayo Clinic
Classification: Likely benign. Last evaluated: 2025-04-01. Review status: criteria provided, single submitter. Criteria: ACMG Guidelines, 2015. Collection method: clinical testing. Allele origin: germline. Observed: 1 variant allele.
Comment: BP4, BP7

NM_015937.6(PIGT):c.1146G>A (p.Pro382=)

Gene: PIGT (phosphatidylinositol glycan anchor biosynthesis class T; plus strand). Cytogenetic location: 20q13.12.
Variant type: single nucleotide variant.
Coding change: c.1146G>A on transcript NM_015937.6 (MANE Select); coding-DNA position 1146, G replaced by A.
Protein change: p.Pro382=; no amino-acid change (proline 382 retained).
Molecular consequence: synonymous variant. On other transcripts: non-coding transcript variant (5), intron variant (1).
Genome position (GRCh38, 1-based): chr20:45,421,495, G>A. VCF-style: chr20-45421495-G-A. GRCh37 (hg19) VCF-style: chr20-44050135-G-A.
Other names: p.Pro382=; c.978G>A, p.Pro326= (NM_001184728.3); c.840G>A, p.Pro280= (NM_001184730.3); c.1033+802G>A (NM_001184729.3).
Identifiers: ClinVar variation 4684421 (VCV004684421.1).